The following is an entry in ClinVar:

NM_003119.4(SPG7):c.1664-344T>C

Gene: SPG7 (SPG7 matrix AAA peptidase subunit, paraplegin; plus strand). Cytogenetic location: 16q24.3.
Variant type: single nucleotide variant.
Coding change: c.1664-344T>C on transcript NM_003119.4 (MANE Select); 344 bases into the intron before coding-DNA position 1664, T replaced by C.
Molecular consequence: intron variant.
Genome position (GRCh38, 1-based): chr16:89,550,150, T>C. VCF-style: chr16-89550150-T-C. GRCh37 (hg19) VCF-style: chr16-89616558-T-C.
Other names: c.1664-344T>C (NM_001363850.1).
Identifiers: ClinVar variation 667498 (VCV000667498.2), dbSNP rs7359417, ClinGen allele CA14290886.
Genomic context (GRCh38, chr16:89,550,150, plus strand): 5'-AGAGAGGCTTGCTTTGACCACACGGGGCAGGAGCAGGGCCCAGCCAGGGAGAGGCCGGGG[T>C]CTCAGCTCACCCCCCCGTCATTCTTTTTTGTTTGTTTTTTGAGACGGAGTCTTGCTCTGT-3'

ClinVar aggregate classification (germline): Benign. Review status: criteria provided, multiple submitters, no conflicts (2 of 4 stars). 2 submissions from 2 submitters: Benign (2). Last evaluated 2018-06-14.

Allele frequency attached by ClinVar (database versions not stated): 1000 Genomes Project 30x 0.15287; 1000 Genomes Project 0.15435; gnomAD exomes 0.17311; gnomAD 0.17393 and 0.17643; TOPMed 0.17994.
gnomAD v4.1: 61,568 of 353,886 alleles (17%); highest among the groups gnomAD compares: Middle Eastern, 21%; 5,540 homozygotes.

Submissions (2):

GeneDx
Classification: Benign. Last evaluated: 2018-06-14. Review status: criteria provided, single submitter. Criteria: GeneDx Variant Classification (06012015). Collection method: clinical testing. Allele origin: germline. Affected: yes.
Comment: This variant is considered likely benign or benign based on one or more of the following criteria: it is a conservative change, it occurs at a poorly conserved position in the protein, it is predicted to be benign by multiple in silico algorithms, and/or has population frequency not consistent with disease.

Breakthrough Genomics
Classification: Benign. Review status: criteria provided, single submitter. Criteria: ACMG Guidelines, 2015. Collection method: not provided. Allele origin: germline. Inheritance: Autosomal recessive inheritance. Affected: yes.